The following is an entry in ClinVar:

NM_015631.6(TCTN3):c.62G>T (p.Arg21Leu)

Genes: TCTN3 (tectonic family member 3; minus strand), LOC130004408 (ATAC-STARR-seq lymphoblastoid active region 3801; plus strand). Cytogenetic location: 10q24.1.
Variant type: single nucleotide variant.
Coding change: c.62G>T on transcript NM_015631.6 (MANE Select); coding-DNA position 62, G replaced by T.
Protein change: p.Arg21Leu; replaces arginine 21 with leucine.
Molecular consequence: missense variant.
Genome position (GRCh38, 1-based): chr10:95,693,838, C>A on the plus strand (G>T on the coding strand, the complement: TCTN3 is on the minus strand). VCF-style: chr10-95693838-C-A. GRCh37 (hg19) VCF-style: chr10-97453595-C-A.
Other names: c.62G>T, p.Arg21Leu (NM_001143973.2); short protein forms R21L.
Identifiers: ClinVar variation 1364935 (VCV001364935.8), dbSNP rs1406986953, ClinGen allele CA377714201.

ClinVar aggregate classification (germline): Uncertain significance (1 of 4 stars; one submission).

Conditions:
Joubert syndrome 18 (JBTS18). Identifiers: Orphanet 2754, MedGen C3553758, MONDO:0013896, OMIM 614815.
Orofacial-digital syndrome IV (OFD4). Also called: BARAITSER-BURN SYNDROME; MOHR-MAJEWSKI SYNDROME; OFD SYNDROME WITH TIBIAL DEFECTS; OFD SYNDROME, BARAITSER-BURN TYPE; OFDS IV; ORAL-FACIAL-DIGITAL SYNDROME, TYPE IV. Identifiers: Orphanet 2753, MedGen C0406727, MONDO:0009794, OMIM 258860.

gnomAD v4.1: 2 of 1,551,686 alleles (0.00013%); highest among the groups gnomAD compares: Non-Finnish European, 0.00017%; no homozygotes.

Submission:

Labcorp Genetics (formerly Invitae), Labcorp
Classification: Uncertain significance for Joubert syndrome 18; Orofacial-digital syndrome IV. Last evaluated: 2023-08-10. Review status: criteria provided, single submitter. Criteria: Invitae Variant Classification Sherloc (09022015). Collection method: clinical testing. Allele origin: germline.
Comment: This sequence change replaces arginine, which is basic and polar, with leucine, which is neutral and non-polar, at codon 21 of the TCTN3 protein (p.Arg21Leu). This variant is not present in population databases (gnomAD no frequency). This variant has not been reported in the literature in individuals affected with TCTN3-related conditions. ClinVar contains an entry for this variant (Variation ID: 1364935). Algorithms developed to predict the effect of missense changes on protein structure and function output the following: SIFT: "Not Available"; PolyPhen-2: "Benign"; Align-GVGD: "Not Available". The leucine amino acid residue is found in multiple mammalian species, which suggests that this missense change does not adversely affect protein function. In summary, the available evidence is currently insufficient to determine the role of this variant in disease. Therefore, it has been classified as a Variant of Uncertain Significance.